The following is an entry in ClinVar:

ClinVar aggregate classification (germline): Uncertain significance (1 of 4 stars; one submission).

Allele frequency attached by ClinVar (database versions not stated): gnomAD exomes below 0.00001.

Submission:

GeneDx
Classification: Uncertain significance. Last evaluated: 2022-04-15. Review status: criteria provided, single submitter. Criteria: GeneDx Variant Classification Process June 2021. Collection method: clinical testing. Allele origin: germline. Affected: yes.
Comment: Not observed at significant frequency in large population cohorts (gnomAD); In silico analysis supports that this missense variant has a deleterious effect on protein structure/function; Has not been previously published as pathogenic or benign to our knowledge

NM_032656.4(DHX37):c.2905A>G (p.Ser969Gly)

Gene: DHX37 (DEAH-box helicase 37; minus strand). Cytogenetic location: 12q24.31.
Variant type: single nucleotide variant.
Coding change: c.2905A>G on transcript NM_032656.4 (MANE Select); coding-DNA position 2905, A replaced by G.
Protein change: p.Ser969Gly; replaces serine 969 with glycine.
Molecular consequence: missense variant.
Genome position (GRCh38, 1-based): chr12:124,950,768, T>C on the plus strand (A>G on the coding strand, the complement: DHX37 is on the minus strand). VCF-style: chr12-124950768-T-C. GRCh37 (hg19) VCF-style: chr12-125435314-T-C.
Other names: short protein forms S969G.
Identifiers: ClinVar variation 1710815 (VCV001710815.2), dbSNP rs1158323031, ClinGen allele CA387219918.